The following is an entry in ClinVar:

ClinVar aggregate classification (germline): Uncertain significance (1 of 4 stars; one submission).

Conditions:
T-B+ severe combined immunodeficiency due to JAK3 deficiency. Also called: SCID, autosomal recessive, T-negative/B-positive type; SCID, T CELL-NEGATIVE, B CELL-POSITIVE, NK CELL-NEGATIVE. Identifiers: Orphanet 35078, MedGen C1833275, MONDO:0010938, OMIM 600802.

Allele frequency attached by ClinVar (database versions not stated): gnomAD exomes below 0.00001; ExAC 0.00001.
gnomAD v4.1: 3 of 1,613,426 alleles (0.00019%); highest among the groups gnomAD compares: Admixed American, 0.0033%; no homozygotes.

Submission:

Labcorp Genetics (formerly Invitae), Labcorp
Classification: Uncertain significance for T-B+ severe combined immunodeficiency due to JAK3 deficiency. Last evaluated: 2023-10-14. Review status: criteria provided, single submitter. Criteria: Invitae Variant Classification Sherloc (09022015). Collection method: clinical testing. Allele origin: germline.
Comment: This sequence change replaces proline, which is neutral and non-polar, with leucine, which is neutral and non-polar, at codon 996 of the JAK3 protein (p.Pro996Leu). This variant is present in population databases (rs759983860, gnomAD 0.006%). This variant has not been reported in the literature in individuals affected with JAK3-related conditions. Advanced modeling of protein sequence and biophysical properties (such as structural, functional, and spatial information, amino acid conservation, physicochemical variation, residue mobility, and thermodynamic stability) performed at Invitae indicates that this missense variant is not expected to disrupt JAK3 protein function. In summary, the available evidence is currently insufficient to determine the role of this variant in disease. Therefore, it has been classified as a Variant of Uncertain Significance.

NM_000215.4(JAK3):c.2987C>T (p.Pro996Leu)

Gene: JAK3 (Janus kinase 3; minus strand). Cytogenetic location: 19p13.11.
Variant type: single nucleotide variant.
Coding change: c.2987C>T on transcript NM_000215.4 (MANE Select); coding-DNA position 2987, C replaced by T.
Protein change: p.Pro996Leu; replaces proline 996 with leucine.
Molecular consequence: missense variant.
Genome position (GRCh38, 1-based): chr19:17,830,612, G>A on the plus strand (C>T on the coding strand, the complement: JAK3 is on the minus strand). VCF-style: chr19-17830612-G-A. GRCh37 (hg19) VCF-style: chr19-17941421-G-A.
Other names: short protein forms P996L.
Identifiers: ClinVar variation 2768188 (VCV002768188.3), dbSNP rs759983860, ClinGen allele CA9301447.